The following is an entry in ClinVar:

ClinVar aggregate classification (germline): Uncertain significance (1 of 4 stars; one submission).

Conditions:
Leigh syndrome (NULS). Also called: Leigh's necrotizing encephalopathy; Leigh's disease; Leigh's syndrome; LEIGH SYNDROME, NUCLEAR; Leigh Syndrome (mtDNA deletion); Leigh Disease. Identifiers: Orphanet 506, MedGen C2931891, MONDO:0009723, OMIM 256000.

Submission:

Wong Mito Lab, Molecular and Human Genetics, Baylor College of Medicine
Classification: Uncertain significance for Leigh syndrome. Last evaluated: 2019-10-17. Review status: criteria provided, single submitter. Criteria: Modified ACMG Guidelines (Unpublished). Collection method: clinical testing. Allele origin: germline.
Comment: The NC_012920.1:m.15153G>A (YP_003024038.1:p.Gly136Asp) variant in MTCYB gene is interpretated to be a Uncertain Significance variant based on the modified ACMG guidelines (unpublished). This variant meets the following evidence codes: BS1

NC_012920.1(MT-CYB):m.15153G>A

Gene: MT-CYB (mitochondrially encoded cytochrome b; plus strand).
Variant type: single nucleotide variant.
Genome position: chrM-15153-G-A.
Identifiers: ClinVar variation 693834 (VCV000693834.1), dbSNP rs1556424536, ClinGen allele CA913173091.